The following is an entry in ClinVar:

ClinVar aggregate classification (germline): Uncertain significance (1 of 4 stars; one submission).

Conditions:
TTC21B-related disorder. Also called: TTC21B-related condition; TTC21B-related disorders.

Submission:

PreventionGenetics, part of Exact Sciences
Classification: Uncertain significance for TTC21B-related condition. Last evaluated: 2026-01-26. Review status: criteria provided, single submitter. Criteria: ACMG Guidelines, 2015. Collection method: clinical testing. Allele origin: germline.
Comment: The TTC21B c.2993G>A variant is predicted to result in the amino acid substitution p.Arg998Lys. To our knowledge, this variant has not been reported in the literature or in a large population database (gnomAD), indicating this variant is rare. At this time, the clinical significance of this variant is uncertain due to the absence of conclusive functional and genetic evidence.

NM_024753.5(TTC21B):c.2993G>A (p.Arg998Lys)

Gene: TTC21B (tetratricopeptide repeat domain 21B; minus strand). Cytogenetic location: 2q24.3.
Variant type: single nucleotide variant.
Coding change: c.2993G>A on transcript NM_024753.5 (MANE Select); coding-DNA position 2993, G replaced by A.
Protein change: p.Arg998Lys; replaces arginine 998 with lysine.
Molecular consequence: missense variant.
Genome position (GRCh38, 1-based): chr2:165,890,946, C>T on the plus strand (G>A on the coding strand, the complement: TTC21B is on the minus strand). VCF-style: chr2-165890946-C-T. GRCh37 (hg19) VCF-style: chr2-166747456-C-T.
Other names: short protein forms R998K.
Identifiers: ClinVar variation 4993792 (VCV004993792.1).